The following is an entry in ClinVar:

ClinVar aggregate classification (germline): Pathogenic (1 of 4 stars; one submission).

Conditions:
Congenital sideroblastic anemia-B-cell immunodeficiency-periodic fever-developmental delay syndrome. Also called: Sideroblastic anemia with B-cell immunodeficiency, periodic fevers, and developmental delay. Identifiers: Orphanet 369861, MedGen C4015172, MONDO:0014487, OMIM 616084.

Submission:

Labcorp Genetics (formerly Invitae), Labcorp
Classification: Pathogenic for Congenital sideroblastic anemia-B-cell immunodeficiency-periodic fever-developmental delay syndrome. Last evaluated: 2024-08-13. Review status: criteria provided, single submitter. Criteria: Invitae Variant Classification Sherloc (09022015). Collection method: clinical testing. Allele origin: germline.
Comment: This sequence change creates a premature translational stop signal (p.Asn284Lysfs*3) in the TRNT1 gene. It is expected to result in an absent or disrupted protein product. Loss-of-function variants in TRNT1 are known to be pathogenic (PMID: 25193871). This variant is not present in population databases (gnomAD no frequency). This variant has not been reported in the literature in individuals affected with TRNT1-related conditions. ClinVar contains an entry for this variant (Variation ID: 1070063). For these reasons, this variant has been classified as Pathogenic.

Literature cited by the submitters: PubMed 25193871.

NM_182916.3(TRNT1):c.851dup (p.Asn284fs)

Gene: TRNT1 (tRNA nucleotidyl transferase 1; plus strand). Cytogenetic location: 3p26.2.
Variant type: Duplication.
Coding change: c.851dup on transcript NM_182916.3 (MANE Select); coding-DNA position 851, one base duplicated (A; older notation c.851dupA).
Protein change: p.Asn284fs; shifts the reading frame from asparagine 284.
Molecular consequence: frameshift variant. On other transcripts: non-coding transcript variant (8).
Genome position (GRCh38, 1-based): chr3:3,147,498, A duplicated; the last of 5 consecutive A bases (chr3:3,147,494-3,147,498); duplicating any one gives the same sequence. VCF-style (leftmost placement, unchanged base first): chr3-3147493-T-TA. GRCh37 (hg19) VCF-style: chr3-3189177-T-TA.
Other names: c.791dup, p.Asn264fs (NM_001302946.2); c.851dup, p.Asn284fs (NM_001367321.1, NM_001367322.1, NM_001367323.1); short protein forms N264fs, N284fs.
Identifiers: ClinVar variation 1070063 (VCV001070063.5), dbSNP rs2126036713, ClinGen allele CA2499216647.
Genomic context (GRCh38, chr3:3,147,493, plus strand): 5'-TGCTTTTGTCCCTACAGGTTTACCTGCTAATGCAAGTTTAGAAGAATTTGACAAAGTCAG[T>TA]AAAAATGTTGATGGTTTTTCACCAAAGCCAGTGACTCTTTTGGCCTCATTATTCAAAGTA-3'